The following is an entry in ClinVar:

ClinVar aggregate classification (germline): Uncertain significance. Review status: criteria provided, multiple submitters, no conflicts (2 of 4 stars). 3 submissions from 3 submitters: Uncertain significance (3). Last evaluated 2023-10-02.

Conditions:
Cardiovascular phenotype. Identifiers: MedGen CN230736.
Hereditary cancer-predisposing syndrome. Also called: Hereditary neoplastic syndrome; Neoplastic Syndromes, Hereditary; Tumor predisposition; Hereditary Cancer Syndrome. Identifiers: Orphanet 140162, MedGen C0027672, MeSH D009386, MONDO:0015356.
Neurofibromatosis, type 1 (NF1). Also called: VON RECKLINGHAUSEN DISEASE; Peripheral type neurofibromatosis; NEUROFIBROMATOSIS, TYPE I, SOMATIC; Neurofibromatosis, type I. Identifiers: Orphanet 636, MedGen C0027831, MONDO:0018975, OMIM 162200. Disease mechanism: loss of function.

Allele frequency attached by ClinVar (database versions not stated): gnomAD exomes below 0.00001; ExAC 0.00001.
gnomAD v4.1: 1 of 1,613,576 alleles (0.000062%); highest among the groups gnomAD compares: Admixed American, 0.0017%; no homozygotes.

Submissions (3):

Ambry Genetics
Classification: Uncertain significance for Cardiovascular phenotype; Hereditary cancer-predisposing syndrome. Last evaluated: 2023-10-02. Review status: criteria provided, single submitter. Criteria: Ambry Variant Classification Scheme 2023. Collection method: clinical testing. Allele origin: germline.
Comment: The p.G802D variant (also known as c.2405G>A), located in coding exon 20 of the NF1 gene, results from a G to A substitution at nucleotide position 2405. The glycine at codon 802 is replaced by aspartic acid, an amino acid with similar properties. This amino acid position is highly conserved in available vertebrate species. In addition, the in silico prediction for this alteration is inconclusive. Since supporting evidence is limited at this time, the clinical significance of this alteration remains unclear.

Genome-Nilou Lab
Classification: Uncertain significance for Neurofibromatosis, type 1. Last evaluated: 2022-03-15. Review status: criteria provided, single submitter. Criteria: ACMG Guidelines, 2015. Collection method: clinical testing. Allele origin: germline. Affected: no.

Labcorp Genetics (formerly Invitae), Labcorp
Classification: Uncertain significance for Neurofibromatosis, type 1. Last evaluated: 2021-05-17. Review status: criteria provided, single submitter. Criteria: Invitae Variant Classification Sherloc (09022015). Collection method: clinical testing. Allele origin: germline.
Comment: In summary, the available evidence is currently insufficient to determine the role of this variant in disease. Therefore, it has been classified as a Variant of Uncertain Significance. Algorithms developed to predict the effect of missense changes on protein structure and function are either unavailable or do not agree on the potential impact of this missense change (SIFT: "Tolerated"; PolyPhen-2: "Possibly Damaging"; Align-GVGD: "Class C0"). This variant has not been reported in the literature in individuals with NF1-related conditions. ClinVar contains an entry for this variant (Variation ID: 484097). This variant is present in population databases (rs752404130, ExAC 0.009%). This sequence change replaces glycine with aspartic acid at codon 802 of the NF1 protein (p.Gly802Asp). The glycine residue is moderately conserved and there is a moderate physicochemical difference between glycine and aspartic acid.

NM_001042492.3(NF1):c.2405G>A (p.Gly802Asp)

Gene: NF1 (neurofibromin 1; plus strand). Cytogenetic location: 17q11.2.
Variant type: single nucleotide variant.
Coding change: c.2405G>A on transcript NM_001042492.3 (MANE Select); coding-DNA position 2405, G replaced by A.
Protein change: p.Gly802Asp; replaces glycine 802 with aspartic acid.
Molecular consequence: missense variant.
Genome position (GRCh38, 1-based): chr17:31,227,602, G>A. VCF-style: chr17-31227602-G-A. GRCh37 (hg19) VCF-style: chr17-29554620-G-A.
Other names: c.2405G>A, p.Gly802Asp (NM_000267.4); short protein forms G802D.
Identifiers: ClinVar variation 484097 (VCV000484097.13), dbSNP rs752404130, ClinGen allele CA8485972.